The following is an entry in ClinVar:

ClinVar aggregate classification (germline): Uncertain significance. Review status: criteria provided, multiple submitters, no conflicts (2 of 4 stars). 2 submissions from 2 submitters: Uncertain significance (2). Last evaluated 2021-10-14.

Conditions:
Pancreatic adenocarcinoma. Identifiers: MedGen C0281361, MONDO:0006047, HP:0006725.

Allele frequency attached by ClinVar (database versions not stated): gnomAD exomes below 0.00001; ExAC 0.00001; gnomAD 0.00001; 1000 Genomes Project 0.00020; 1000 Genomes Project 30x 0.00031.
gnomAD v4.1: 1 of 1,611,192 alleles (0.000062%); highest among the groups gnomAD compares: Admixed American, 0.0017%; no homozygotes.

Submissions (2):

Ambry Genetics
Classification: Uncertain significance. Last evaluated: 2021-10-14. Review status: criteria provided, single submitter. Criteria: Ambry Variant Classification Scheme 2023. Collection method: clinical testing. Allele origin: germline.
Comment: The p.A979V variant (also known as c.2936C>T), located in coding exon 16 of the PALLD gene, results from a C to T substitution at nucleotide position 2936. The alanine at codon 979 is replaced by valine, an amino acid with similar properties. This amino acid position is conserved. In addition, the in silico prediction for this alteration is inconclusive. Since supporting evidence is limited at this time, the clinical significance of this alteration remains unclear.

Labcorp Genetics (formerly Invitae), Labcorp
Classification: Uncertain significance for Pancreatic adenocarcinoma. Last evaluated: 2020-12-16. Review status: criteria provided, single submitter. Criteria: Invitae Variant Classification Sherloc (09022015). Collection method: clinical testing. Allele origin: germline.
Comment: This variant is present in population databases (rs190961769, ExAC 0.009%). This sequence change replaces alanine with valine at codon 492 of the PALLD protein (p.Ala492Val). The alanine residue is highly conserved and there is a small physicochemical difference between alanine and valine. This variant has not been reported in the literature in individuals with PALLD-related conditions. Algorithms developed to predict the effect of missense changes on protein structure and function are either unavailable or do not agree on the potential impact of this missense change (SIFT: "Deleterious"; PolyPhen-2: "Benign"; Align-GVGD: "Class C55"). In summary, the available evidence is currently insufficient to determine the role of this variant in disease. Therefore, it has been classified as a Variant of Uncertain Significance.

NM_001166108.2(PALLD):c.2987C>T (p.Ala996Val)

Genes: CBR4 (carbonyl reductase 4; minus strand), PALLD (palladin, cytoskeletal associated protein; plus strand). Cytogenetic location: 4q32.3.
Variant type: single nucleotide variant.
Coding change: c.2987C>T on transcript NM_001166108.2 (MANE Select); coding-DNA position 2987, C replaced by T.
Protein change: p.Ala996Val; replaces alanine 996 with valine.
Molecular consequence: missense variant.
Genome position (GRCh38, 1-based): chr4:168,921,670, C>T. VCF-style: chr4-168921670-C-T. GRCh37 (hg19) VCF-style: chr4-169842821-C-T.
Other names: c.1790C>T, p.Ala597Val (NM_001166109.2); c.1475C>T, p.Ala492Val (NM_001166110.2); c.815C>T, p.Ala272Val (NM_001367567.1, NM_001367569.1); c.866C>T, p.Ala289Val (NM_001367568.1, NM_001367570.1); c.2936C>T, p.Ala979Val (NM_016081.4); short protein forms A289V, A597V, A979V, A996V, A272V, A492V.
Identifiers: ClinVar variation 1425438 (VCV001425438.10), dbSNP rs190961769, ClinGen allele CA3136005.